The following is an entry in ClinVar:

NM_021951.3(DMRT1):c.506C>A (p.Pro169Gln)

Gene: DMRT1 (doublesex and mab-3 related transcription factor 1; plus strand). Cytogenetic location: 9p24.3.
Variant type: single nucleotide variant.
Coding change: c.506C>A on transcript NM_021951.3 (MANE Select); coding-DNA position 506, C replaced by A.
Protein change: p.Pro169Gln; replaces proline 169 with glutamine.
Molecular consequence: missense variant.
Genome position (GRCh38, 1-based): chr9:847,111, C>A. VCF-style: chr9-847111-C-A. GRCh37 (hg19) VCF-style: chr9-847111-C-A.
Other names: c.32C>A, p.Pro11Gln (NM_001363767.1); short protein forms P11Q, P169Q.
Identifiers: ClinVar variation 3632686 (VCV003632686.2).

ClinVar aggregate classification (germline): Uncertain significance (1 of 4 stars; one submission).

Submission:

Labcorp Genetics (formerly Invitae), Labcorp
Classification: Uncertain significance. Last evaluated: 2024-03-26. Review status: criteria provided, single submitter. Criteria: Invitae Variant Classification Sherloc (09022015). Collection method: clinical testing. Allele origin: germline.
Comment: This sequence change replaces proline, which is neutral and non-polar, with glutamine, which is neutral and polar, at codon 169 of the DMRT1 protein (p.Pro169Gln). This variant is not present in population databases (gnomAD no frequency). This variant has not been reported in the literature in individuals affected with DMRT1-related conditions. Advanced modeling of protein sequence and biophysical properties (such as structural, functional, and spatial information, amino acid conservation, physicochemical variation, residue mobility, and thermodynamic stability) performed at Invitae indicates that this missense variant is not expected to disrupt DMRT1 protein function with a negative predictive value of 80%. In summary, the available evidence is currently insufficient to determine the role of this variant in disease. Therefore, it has been classified as a Variant of Uncertain Significance.